The following is an entry in ClinVar:

NM_001363711.2(DUOX2):c.1534C>T (p.Arg512Trp)

Gene: DUOX2 (dual oxidase 2; minus strand). Cytogenetic location: 15q21.1.
Variant type: single nucleotide variant.
Coding change: c.1534C>T on transcript NM_001363711.2 (MANE Select); coding-DNA position 1534, C replaced by T.
Protein change: p.Arg512Trp; replaces arginine 512 with tryptophan.
Molecular consequence: missense variant.
Genome position (GRCh38, 1-based): chr15:45,108,087, G>A on the plus strand (C>T on the coding strand, the complement: DUOX2 is on the minus strand). VCF-style: chr15-45108087-G-A. GRCh37 (hg19) VCF-style: chr15-45400285-G-A.
Other names: c.1534C>T, p.Arg512Trp (NM_014080.5); c.1534C>T (NM_014080.4); short protein forms R512W.
Identifiers: ClinVar variation 1366310 (VCV001366310.8), dbSNP rs750288898, ClinGen allele CA7538587.
Genomic context (GRCh38, chr15:45,108,087, plus strand): 5'-GGGGCCCAGGCAAGCCTTACCCATTCCTGGTGTTCTCAAACCAGTAGCGGTCACCATCCC[G>A]CAGCCGTACAAACTGGTCGAGGACAATGGCACTGAACAGGGGTCCAGGGTCCCCATGGCT-3'
Protein context (NP_001350640.1, residues 502-522): AIVLDQFVRL[Arg512Trp]DGDRYWFENT

ClinVar aggregate classification (germline): Uncertain significance. Review status: criteria provided, multiple submitters, no conflicts (2 of 4 stars). 3 submissions from 3 submitters: Uncertain significance (2). 1 of the submissions does not count toward it. Last evaluated 2025-10-02.

Conditions:
DUOX2-related disorder. Also called: DUOX2-related condition.

Allele frequency attached by ClinVar (database versions not stated): gnomAD 0.00005 and 0.00006; TOPMed 0.00014.
gnomAD v4.1: 57 of 1,613,916 alleles (0.0035%); highest among the groups gnomAD compares: Admixed American, 0.02%; no homozygotes.

Submissions (3):

Labcorp Genetics (formerly Invitae), Labcorp
Classification: Uncertain significance. Last evaluated: 2025-10-02. Review status: criteria provided, single submitter. Criteria: Invitae Variant Classification Sherloc (09022015). Collection method: clinical testing. Allele origin: germline.
Comment: This sequence change replaces arginine, which is basic and polar, with tryptophan, which is neutral and slightly polar, at codon 512 of the DUOX2 protein (p.Arg512Trp). This variant is present in population databases (rs750288898, gnomAD 0.006%). This variant has not been reported in the literature in individuals affected with DUOX2-related conditions. ClinVar contains an entry for this variant (Variation ID: 1366310). Invitae Evidence Modeling of protein sequence and biophysical properties (such as structural, functional, and spatial information, amino acid conservation, physicochemical variation, residue mobility, and thermodynamic stability) indicates that this missense variant is expected to disrupt DUOX2 protein function with a positive predictive value of 80%. In summary, the available evidence is currently insufficient to determine the role of this variant in disease. Therefore, it has been classified as a Variant of Uncertain Significance.

GeneDx
Classification: Uncertain significance. Last evaluated: 2025-03-17. Review status: criteria provided, single submitter. Criteria: GeneDx Variant Classification Process June 2021. Collection method: clinical testing. Allele origin: germline. Affected: yes.
Comment: Identified in the heterozygous state in a participant of a wellness program (PMID: 33651715); In silico analysis supports that this missense variant has a deleterious effect on protein structure/function; This variant is associated with the following publications: (PMID: 33651715)

PreventionGenetics, part of Exact Sciences
Classification: Uncertain significance for DUOX2-related condition. Last evaluated: 2024-03-27. Review status: no assertion criteria provided. Collection method: clinical testing. Allele origin: germline. Not counted in ClinVar's aggregate classification.
Comment: The DUOX2 c.1534C>T variant is predicted to result in the amino acid substitution p.Arg512Trp. This variant was reported in an individual with Inflammatory bowel disease (Table S1, Grasberger et al 2021. PubMed ID: 33651715). This variant is reported in 0.0058% of alleles in individuals of Latino descent in gnomAD. At this time, the clinical significance of this variant is uncertain due to the absence of conclusive functional and genetic evidence.